The following is an entry in ClinVar:

NM_001903.5(CTNNA1):c.943G>A (p.Gly315Arg)

Gene: CTNNA1 (catenin alpha 1; plus strand). Cytogenetic location: 5q31.2.
Variant type: single nucleotide variant.
Coding change: c.943G>A on transcript NM_001903.5 (MANE Select); coding-DNA position 943, G replaced by A.
Protein change: p.Gly315Arg; replaces glycine 315 with arginine.
Molecular consequence: missense variant.
Genome position (GRCh38, 1-based): chr5:138,827,599, G>A. VCF-style: chr5-138827599-G-A. GRCh37 (hg19) VCF-style: chr5-138163288-G-A.
Other names: c.943G>A, p.Gly315Arg (NM_001290307.3, NM_001323982.2, NM_001323983.1 and 3 more transcripts); c.634G>A, p.Gly212Arg (NM_001290309.3); c.574G>A, p.Gly192Arg (NM_001290310.3); short protein forms G212R, G192R, G315R.
Identifiers: ClinVar variation 2826376 (VCV002826376.3), dbSNP rs2532446949, ClinGen allele CA361130922.

ClinVar aggregate classification (germline): Uncertain significance (1 of 4 stars; one submission).

Submission:

Labcorp Genetics (formerly Invitae), Labcorp
Classification: Uncertain significance. Last evaluated: 2023-01-05. Review status: criteria provided, single submitter. Criteria: Invitae Variant Classification Sherloc (09022015). Collection method: clinical testing. Allele origin: germline.
Comment: In summary, the available evidence is currently insufficient to determine the role of this variant in disease. Therefore, it has been classified as a Variant of Uncertain Significance. Advanced modeling of protein sequence and biophysical properties (such as structural, functional, and spatial information, amino acid conservation, physicochemical variation, residue mobility, and thermodynamic stability) performed at Invitae indicates that this missense variant is not expected to disrupt CTNNA1 protein function. This variant has not been reported in the literature in individuals affected with CTNNA1-related conditions. This variant is not present in population databases (gnomAD no frequency). This sequence change replaces glycine, which is neutral and non-polar, with arginine, which is basic and polar, at codon 315 of the CTNNA1 protein (p.Gly315Arg).